The following is an entry in ClinVar:

ClinVar aggregate classification (germline): Uncertain significance (1 of 4 stars; one submission).

Conditions:
Cardiovascular phenotype. Identifiers: MedGen CN230736.

Submission:

Ambry Genetics
Classification: Uncertain significance for Cardiovascular phenotype. Last evaluated: 2025-05-16. Review status: criteria provided, single submitter. Criteria: Ambry Variant Classification Scheme 2023. Collection method: clinical testing. Allele origin: germline.
Comment: The c.7440_7441delTGinsCA variant (also known as p.G2481S), located in coding exon 20 of the TNXB gene, results from an in-frame deletion of TG and insertion of CA at nucleotide positions 7440 to 7441. This results in the substitution of the glycine residue for a serine residue at codon 2481, an amino acid with similar properties. This amino acid position is highly conserved in available vertebrate species. In addition, this alteration is predicted to be tolerated by in silico analysis. Based on the available evidence, the clinical significance of this variant remains unclear.

NM_001365276.2(TNXB):c.7440_7441inv (p.Gly2481Ser)

Gene: TNXB (tenascin XB; minus strand). Cytogenetic location: 6p21.33.
Variant type: Inversion.
Coding change: c.7440_7441inv on transcript NM_001365276.2 (MANE Select).
Protein change: p.Gly2481Ser; replaces glycine 2481 with serine.
Molecular consequence: missense variant.
Genome position: GRCh38 VCF-style: chr6-32061448-CA-TG. GRCh37 (hg19) VCF-style: chr6-32029225-CA-TG.
Other names: c.8181_8182inv, p.Gly2728Ser (NM_001428335.1); c.7440_7441inv, p.Gly2481Ser (NM_019105.8); short protein forms G2481S, G2728S.
Identifiers: ClinVar variation 3972011 (VCV003972011.1).